The following is an entry in ClinVar:

NM_144997.7(FLCN):c.218G>T (p.Ser73Ile)

Gene: FLCN (folliculin; minus strand). Cytogenetic location: 17p11.2.
Variant type: single nucleotide variant.
Coding change: c.218G>T on transcript NM_144997.7 (MANE Select); coding-DNA position 218, G replaced by T.
Protein change: p.Ser73Ile; replaces serine 73 with isoleucine.
Molecular consequence: missense variant.
Genome position (GRCh38, 1-based): chr17:17,227,920, C>A on the plus strand (G>T on the coding strand, the complement: FLCN is on the minus strand). VCF-style: chr17-17227920-C-A. GRCh37 (hg19) VCF-style: chr17-17131234-C-A.
Other names: c.218G>T, p.Ser73Ile (NM_001353229.2, NM_001353230.2, NM_001353231.2 and 1 more transcripts); short protein forms S73I.
Identifiers: ClinVar variation 4025319 (VCV004025319.1).

ClinVar aggregate classification (germline): Uncertain significance (1 of 4 stars; one submission).

Conditions:
Hereditary cancer-predisposing syndrome. Also called: Tumor predisposition; Hereditary neoplastic syndrome; Neoplastic Syndromes, Hereditary; Hereditary Cancer Syndrome. Identifiers: Orphanet 140162, MedGen C0027672, MeSH D009386, MONDO:0015356.

Submission:

Ambry Genetics
Classification: Uncertain significance for Hereditary cancer-predisposing syndrome. Last evaluated: 2025-05-16. Review status: criteria provided, single submitter. Criteria: Ambry Variant Classification Scheme 2023. Collection method: clinical testing. Allele origin: germline.
Comment: The p.S73I variant (also known as c.218G>T), located in coding exon 1 of the FLCN gene, results from a G to T substitution at nucleotide position 218. The serine at codon 73 is replaced by isoleucine, an amino acid with dissimilar properties. This amino acid position is conserved. In addition, this alteration is predicted to be deleterious by in silico analysis. Based on the available evidence, the clinical significance of this variant remains unclear.